The following is an entry in ClinVar:

NM_001395463.1(PLA2G2A):c.428G>A (p.Arg143His)

Gene: PLA2G2A (phospholipase A2 group IIA; minus strand). Cytogenetic location: 1p36.13.
Variant type: single nucleotide variant.
Coding change: c.428G>A on transcript NM_001395463.1 (MANE Select); coding-DNA position 428, G replaced by A.
Protein change: p.Arg143His; replaces arginine 143 with histidine.
Molecular consequence: missense variant.
Genome position (GRCh38, 1-based): chr1:19,975,708, C>T on the plus strand (G>A on the coding strand, the complement: PLA2G2A is on the minus strand). VCF-style: chr1-19975708-C-T. GRCh37 (hg19) VCF-style: chr1-20302201-C-T.
Other names: c.428G>A, p.Arg143His (NM_000300.4, NM_001161727.2, NM_001161728.2 and 1 more transcripts); short protein forms R143H.
Identifiers: ClinVar variation 3038442 (VCV003038442.2), dbSNP rs34568801, ClinGen allele CA657945.
Genomic context (GRCh38, chr1:19,975,708, plus strand): 5'-TATGAGAGAGGGAAATTCAGCACTGGGTGGAAGGTTTCCAGGGAAGAGGGGACTCAGCAA[C>T]GAGGGGTGCTCCCTCTGCAGTGTTTATTGGAATAGTACTGGTACTTTTTATTGTAGGTCG-3'
Protein context (NP_001382392.1, residues 133-144): SNKHCRGSTP[Arg143His]C

ClinVar aggregate classification (germline): Benign (0 of 4 stars; one submission).

Conditions:
PLA2G2A-related disorder. Also called: PLA2G2A-related condition.

Allele frequency attached by ClinVar (database versions not stated): 1000 Genomes Project 30x 0.00172; 1000 Genomes Project 0.00200; ESP Exome Variant Server 0.00415; gnomAD 0.00425; TOPMed 0.00434; ExAC 0.00477; gnomAD exomes 0.00687.
gnomAD v4.1: 10,651 of 1,613,616 alleles (0.66%); highest among the groups gnomAD compares: Non-Finnish European, 0.8%; 44 homozygotes.

Submission:

PreventionGenetics, part of Exact Sciences
Classification: Benign for PLA2G2A-related condition. Last evaluated: 2019-06-17. Review status: no assertion criteria provided. Collection method: clinical testing. Allele origin: germline.
Comment: This variant is classified as benign based on ACMG/AMP sequence variant interpretation guidelines (Richards et al. 2015 PMID: 25741868, with internal and published modifications).